The following is an entry in ClinVar:

GRCh38/hg38 Xq27.1-27.2(chrX:141090606-141561711)x1

Genes: LDOC1 (LDOC1 regulator of NFKB signaling; minus strand), SPANXA2-OT1 (SPANXA2 overlapping transcript 1; plus strand), SPANXC (SPANX family member C; minus strand). Cytogenetic location: Xq27.1-27.2.
Variant type: copy number loss.
Change: copy number 1 of chrX:141,090,606-141,561,711 (471.1 kb, GRCh38 coordinates, 1-based), cytogenetic band Xq27.1-27.2.
Identifiers: ClinVar variation 148203 (VCV000148203.3).

ClinVar aggregate classification (germline): conflicting data from submitters (0 of 4 stars; one submission).

Submission:

ISCA site 1
Classification: conflicting data from submitters. Last evaluated: 2012-09-17. Review status: no assertion criteria provided. Collection method: clinical testing. Allele origin: maternal, unknown. Affected: yes. Observed: 3 variant alleles. Clinical features observed: Developmental delay AND/OR other significant developmental or morphological phenotypes, Seizures (HP:0001250), Hepatic fibrosis (HP:0001395), Asplenia (HP:0001746), Microcephaly (HP:0000252), Holoprosencephaly (HP:0001360).
Comment: Uncertain significance(2), Likely benign (1)

Copy number variation identified through the course of routine clinical cytogenomic testing in postnatal populations, with clinical assertions as classified by the original submitter. For data from the original published study, Kaminsky, et al. 2011 (PubMed 21844811), please see nstd101.